The following continues an entry in ClinVar:

NM_005633.4(SOS1):c.806T>G (p.Met269Arg)

Gene: SOS1. ClinVar aggregate classification (germline): Pathogenic. Pathogenic (15).

Submissions 11 to 17 of 17:

CeGaT Center for Human Genetics Tuebingen
Classification: Pathogenic. Last evaluated: 2019-07-01. Review status: criteria provided, single submitter. Criteria: CeGaT Center For Human Genetics Tuebingen Variant Classification Criteria Version 2. Collection method: clinical testing. Allele origin: germline. Affected: yes. Observed: 1 variant allele.

Ambry Genetics
Classification: Pathogenic for Cardiovascular phenotype. Last evaluated: 2018-04-03. Review status: criteria provided, single submitter. Criteria: Ambry Variant Classification Scheme 2023. Collection method: clinical testing. Allele origin: germline.
Comment: The p.M269R pathogenic mutation (also known as c.806T>G), located in coding exon 6 of the SOS1 gene, results from a T to G substitution at nucleotide position 806. The methionine at codon 269 is replaced by arginine, an amino acid with similar properties. This mutation was identified in multiple individuals with Noonan syndrome, including at least one de novo occurrence (Tartaglia M et al. Nat. Genet., 2007 Jan;39:75-9; Roberts AE et al. Nat. Genet., 2007 Jan;39:70-4; Zenker M et al. J. Med. Genet., 2007 Oct;44:651-6; Ko JM et al. J. Hum. Genet., 2008 Nov;53:999-1006; Lepri F et al. Hum. Mutat., 2011 Jul;32:760-72; imek-Kiper P&Ouml; et al. Clin. Genet., 2013 Feb;83:181-6; Croonen EA et al. Mol Syndromol, 2013 Jun;4:227-34). In addition, functional studies in cell lines demonstrate that this mutation significantly enhanced ERK activation and sustained RAS activation (Roberts AE et al. Nat. Genet., 2007 Jan;39:70-4; Longoni M et al. Am. J. Med. Genet. A, 2010 Sep;152A:2176-84). A disease-causing mutation, p.M269T, has been described in the same codon in multiple individuals with Noonan syndrome (Zenker M et al. J. Med. Genet., 2007 Oct;44:651-6; Ko JM et al. J. Hum. Genet., 2008 Nov;53:999-1006; Denayer E et al. Genes Chromosomes Cancer, 2010 Mar;49:242-52; Longoni M et al. Am. J. Med. Genet. A, 2010 Sep;152A:2176-84; Lepri F et al. Hum. Mutat., 2011 Jul;32:760-72). Based on the supporting evidence, this alteration is interpreted as a disease-causing mutation.

Laboratory for Molecular Medicine, Mass General Brigham Personalized Medicine
Classification: Pathogenic for Noonan syndrome. Last evaluated: 2013-07-17. Review status: criteria provided, single submitter. Criteria: LMM Criteria. Collection method: clinical testing. Allele origin: germline. Inheritance: Autosomal dominant inheritance. Observed: 8 variant alleles.
Comment: The Met269Arg variant has been identified in several individuals with clinical f eatures of Noonan syndrome in the literature (Ko 2008, Tartaglia 2007, Roberts 2 007). This variant was determined to have occurred de novo in at least one of th ese individuals (Tartaglia 2007). In addition, this variant has been identified in seven individuals affected with the clinical features of Noonan syndrome by o ur laboratory (LMM unpublished data). This variant was also absent in large popu lation studies. In summary, the Met269Arg variant meets our criteria to be class ified as pathogenic.

Genome-Nilou Lab
Classification: Pathogenic for Noonan syndrome 4. Review status: criteria provided, single submitter. Criteria: ACMG Guidelines, 2015. Collection method: clinical testing. Allele origin: germline.

Institute for Genomic Statistics and Bioinformatics, University Hospital Bonn
Classification: Pathogenic for Noonan syndrome 1. Review status: criteria provided, single submitter. Criteria: ACMG Guidelines, 2015. Collection method: clinical testing. Allele origin: unknown. Affected: yes. Observed: 1 variant allele.

Greenwood Genetic Center Diagnostic Laboratories, Greenwood Genetic Center
Classification: Pathogenic. Last evaluated: 2015-01-15. Review status: no assertion criteria provided. Collection method: clinical testing. Allele origin: germline. Not counted in ClinVar's aggregate classification.

OMIM
Classification: Pathogenic for NOONAN SYNDROME 4. Last evaluated: 2007-01-01. Review status: no assertion criteria provided. Collection method: literature only. Allele origin: germline. Not counted in ClinVar's aggregate classification.

Literature cited by the submitters: PubMed 21387466 (cited by 3 submitters); PubMed 18854871 (cited by Dasa and Women's Health and Genetics/Laboratory Corporation of America, LabCorp); PubMed 17586837 (cited by 6 submitters); PubMed 17143282 (cited by 7 submitters); PubMed 17143285 (cited by 6 submitters); PubMed 19020799 (cited by 4 submitters); PubMed 22420426 (cited by Labcorp Genetics (formerly Invitae), Labcorp and Ambry Genetics); PubMed 23885229 (cited by Labcorp Genetics (formerly Invitae), Labcorp and Ambry Genetics); PubMed 20683980 (cited by Labcorp Genetics (formerly Invitae), Labcorp and Ambry Genetics); PubMed 19953625 (cited by Labcorp Genetics (formerly Invitae), Labcorp).